The following is an entry in ClinVar:

ClinVar aggregate classification (germline): Pathogenic (1 of 4 stars; one submission).

Conditions:
Refsum disease, classic. Also called: HEREDOPATHIA ATACTICA POLYNEURITIFORMIS; HMSN IV; PHYTANIC ACID OXIDASE DEFICIENCY; PHYH-Related Refsum Disease. Identifiers: Orphanet 773, MedGen C5780941, MONDO:1060256, OMIM 266500. Disease mechanism: loss of function.

Submission:

Myriad Genetics, Inc.
Classification: Pathogenic for Refsum disease, classic. Last evaluated: 2024-05-14. Review status: criteria provided, single submitter. Criteria: Myriad Autosomal Dominant, Autosomal Recessive and X-Linked Classification Criteria (2023). Collection method: clinical testing. Allele origin: unknown.
Comment: NM_006214.3(PHYH):c.563_567del5ins21(L188Hfs*5) is expected to be pathogenic in the context of Refsum disease, PHYH-related. This variant is predicted to lead to an abnormal or absent protein product due to the creation of a premature termination codon in PHYH, a gene where loss-of-function variants are known to be pathogenic. Please note: this variant was assessed in the context of healthy population screening.

NM_006214.4(PHYH):c.563_567delinsACAGATGTGTATAAGAGACAG (p.Leu188_Ile189delinsHisArgCysValTer)

Gene: PHYH (phytanoyl-CoA 2-hydroxylase; minus strand). Cytogenetic location: 10p13.
Variant type: Indel.
Coding change: c.563_567delinsACAGATGTGTATAAGAGACAG on transcript NM_006214.4 (MANE Select); coding-DNA positions 563 to 567, TCATC replaced by ACAGATGTGTATAAGAGACAG.
Protein change: p.Leu188_Ile189delinsHisArgCysValTer.
Molecular consequence: nonsense. On other transcripts: intron variant (1).
Genome position (GRCh38, 1-based): chr10:13,288,471-13,288,475, GATGA replaced by CTGTCTCTTATACACATCTGT on the plus strand (TCATC replaced by ACAGATGTGTATAAGAGACAG on the coding strand, the reverse complement: PHYH is on the minus strand). VCF-style: chr10-13288471-GATGA-CTGTCTCTTATACACATCTGT. GRCh37 (hg19) VCF-style: chr10-13330471-GATGA-CTGTCTCTTATACACATCTGT.
Other names: c.263_267delinsACAGATGTGTATAAGAGACAG, p.Leu88_Ile89delinsHisArgCysValTer (NM_001037537.2, NM_001323080.2); c.569_573delinsACAGATGTGTATAAGAGACAG, p.Leu190_Ile191delinsHisArgCysValTer (NM_001323082.2); c.269_273delinsACAGATGTGTATAAGAGACAG, p.Leu90_Ile91delinsHisArgCysValTer (NM_001323084.2); c.415-4636_415-4632delinsACAGATGTGTATAAGAGACAG (NM_001323083.2).
Identifiers: ClinVar variation 5011041 (VCV005011041.1).
Genomic context (GRCh38, chr10:13,288,471, plus strand): 5'-GAGCACAACCAGACAGCCGTTGTTCCGGCTGATGTGCTCCATCGCCGTCCAGGCGCAAAC[GATGA>CTGTCTCTTATACACATCTGT]GATCGCTGGGCCTGAAGGGGAAATAGTGCAGGTCCTGGTGCAGGGGGTGACGGGACGTCT-3'